The following is an entry in ClinVar:

ClinVar aggregate classification (germline): Likely pathogenic (1 of 4 stars; one submission).

Conditions:
Spastic paraplegia 80, autosomal dominant. Identifiers: Orphanet 631068, MedGen C5193084, MONDO:0032737, OMIM 618418.

Submission:

Juno Genomics, Hangzhou Juno Genomics, Inc
Classification: Likely pathogenic for Spastic paraplegia 80, autosomal dominant. Review status: criteria provided, single submitter. Criteria: ACMG Guidelines, 2015. Collection method: clinical testing. Allele origin: germline.
Comment: Absent from controls (or at extremely low frequency if recessive) in Genome Aggregation Database.;Null variant in a gene where loss of function (LOF) is a known mechanism of disease.

NM_016525.5(UBAP1):c.593_629del (p.Asn198fs)

Gene: UBAP1 (ubiquitin associated protein 1; plus strand). Cytogenetic location: 9p13.3.
Variant type: Deletion.
Coding change: c.593_629del on transcript NM_016525.5 (MANE Select); coding-DNA positions 593 to 629, 37 bases deleted.
Protein change: p.Asn198fs; shifts the reading frame from asparagine 198.
Molecular consequence: frameshift variant. On other transcripts: non-coding transcript variant (1).
Genome position (GRCh38, 1-based): chr9:34,241,618-34,241,654, 37 bases deleted; deleting any 37 consecutive bases within chr9:34,241,615-34,241,654 gives the same sequence; the c. name uses the placement nearest the transcript's 3' end. GRCh37 (hg19): chr9:34,241,616-34,241,652.
Other names: c.785_821del, p.Asn262fs (NM_001171201.1); c.701_737del, p.Asn234fs (NM_001171202.1); c.593_629del, p.Asn198fs (NM_001171203.3, NM_001171204.3); short protein forms N198fs, N234fs, N262fs.
Identifiers: ClinVar variation 5019445 (VCV005019445.2).